The following is an entry in ClinVar:

ClinVar aggregate classification (germline): Uncertain significance. Review status: criteria provided, multiple submitters, no conflicts (2 of 4 stars). 2 submissions from 2 submitters: Uncertain significance (2). Last evaluated 2025-12-10.

Conditions:
Classic or attenuated familial adenomatous polyposis. Identifiers: MedGen CN372698, MONDO:0021057.
Familial adenomatous polyposis 1 (FAP1). Also called: POLYPOSIS, ADENOMATOUS INTESTINAL; FAMILIAL ADENOMATOUS POLYPOSIS 1, ATTENUATED. Identifiers: MedGen C2713442, MONDO:0021056, OMIM 175100. Disease mechanism: loss of function.

Submissions (2):

Labcorp Genetics (formerly Invitae), Labcorp
Classification: Uncertain significance for Familial adenomatous polyposis 1. Last evaluated: 2025-12-10. Review status: criteria provided, single submitter. Criteria: Invitae Variant Classification Sherloc (09022015). Collection method: clinical testing. Allele origin: germline.
Comment: This sequence change replaces aspartic acid, which is acidic and polar, with glutamic acid, which is acidic and polar, at codon 1868 of the APC protein (p.Asp1868Glu). This variant is not present in population databases (gnomAD no frequency). This variant has not been reported in the literature in individuals affected with APC-related conditions. ClinVar contains an entry for this variant (Variation ID: 3072802). Invitae Evidence Modeling of protein sequence and biophysical properties (such as structural, functional, and spatial information, amino acid conservation, physicochemical variation, residue mobility, and thermodynamic stability) indicates that this missense variant is not expected to disrupt APC protein function with a negative predictive value of 95%. In summary, the available evidence is currently insufficient to determine the role of this variant in disease. Therefore, it has been classified as a Variant of Uncertain Significance.

All of Us Research Program, National Institutes of Health
Classification: Uncertain significance for Classic or attenuated familial adenomatous polyposis. Last evaluated: 2023-08-15. Review status: criteria provided, single submitter. Criteria: ACMG Guidelines, 2015. Collection method: clinical testing. Allele origin: germline. Inheritance: Autosomal dominant inheritance. Observed: 1 variant allele, 1 heterozygote.
Comment: This study involves interpretation of variants in research participants for the purpose of population health screening. Participant phenotype was not available at the time of variant classification. Additional details can be found in publication PMID: 35346344, PMCID: PMC8962531

NM_000038.6(APC):c.5604T>A (p.Asp1868Glu)

Gene: APC (APC regulator of Wnt signaling pathway; plus strand). Cytogenetic location: 5q22.2.
Variant type: single nucleotide variant.
Coding change: c.5604T>A on transcript NM_000038.6 (MANE Select); coding-DNA position 5604, T replaced by A.
Protein change: p.Asp1868Glu; replaces aspartic acid 1868 with glutamic acid.
Molecular consequence: missense variant. On other transcripts: non-coding transcript variant (2).
Genome position (GRCh38, 1-based): chr5:112,841,198, T>A. VCF-style: chr5-112841198-T-A. GRCh37 (hg19) VCF-style: chr5-112176895-T-A.
Other names: c.5604T>A, p.Asp1868Glu (NM_001127510.3, NM_001354895.2, NM_001407450.1); c.5550T>A, p.Asp1850Glu (NM_001127511.3); c.5658T>A, p.Asp1886Glu (NM_001354896.2, NM_001407447.1, NM_001407448.1 and 1 more transcripts); c.5634T>A, p.Asp1878Glu (NM_001354897.2); c.5529T>A, p.Asp1843Glu (NM_001354898.2); c.5520T>A, p.Asp1840Glu (NM_001354899.2); c.5481T>A, p.Asp1827Glu (NM_001354900.2); c.5427T>A, p.Asp1809Glu (NM_001354901.2, NM_001407453.1); and 11 more; short protein forms D1484E, D1585E, D1708E, D1739E, D1742E, D1767E, D1777E, D1785E.
Identifiers: ClinVar variation 3072802 (VCV003072802.2), dbSNP rs2149944376, ClinGen allele CA16033595.